The following is an entry in ClinVar:

NM_000512.5(GALNS):c.1461C>A (p.Asn487Lys)

Genes: GALNS (galactosamine (N-acetyl)-6-sulfatase; minus strand), LOC126862447 (CDK7 strongly-dependent group 2 enhancer GRCh37_chr16:88884193-88885392; plus strand). Cytogenetic location: 16q24.3.
Variant type: single nucleotide variant.
Coding change: c.1461C>A on transcript NM_000512.5 (MANE Select); coding-DNA position 1461, C replaced by A.
Protein change: p.Asn487Lys; replaces asparagine 487 with lysine.
Molecular consequence: missense variant.
Genome position (GRCh38, 1-based): chr16:88,818,028, G>T on the plus strand (C>A on the coding strand, the complement: GALNS is on the minus strand). VCF-style: chr16-88818028-G-T. GRCh37 (hg19) VCF-style: chr16-88884436-G-T.
Other names: c.906C>A, p.Asn302Lys (NM_001323543.2); c.1479C>A, p.Asn493Lys (NM_001323544.2); short protein forms N302K, N487K, N493K.
Identifiers: ClinVar variation 1048244 (VCV001048244.3), dbSNP rs1273463889, ClinGen allele CA397094161.
Genomic context (GRCh38, chr16:88,818,028, plus strand): 5'-CCCGGCAAAGAGACGGCCGCCCACACACCAGCCACTTACCATGACCGCCCAGTTGCACAC[G>T]TTGAGCTGGGGCTGCGCGGGGACCAAGGCCTCCTGGTGCTGCTGGACGACCGAGGTGATC-3'
Protein context (NP_000503.1, residues 477-497): EALVPAQPQL[Asn487Lys]VCNWAVMNWA

ClinVar aggregate classification (germline): Uncertain significance (1 of 4 stars; one submission).

Conditions:
Mucopolysaccharidosis, MPS-IV-A (MPS4A). Also called: Mucopolysaccharidosis type IV A; Mucopolysaccharidosis Type IVA; Morquio syndrome A, mild; MORQUIO SYNDROME A; MPS IVA; mucopolysaccharidosis type 4A. Identifiers: Orphanet 309297, Orphanet 582, MedGen C0086651, MONDO:0009659, OMIM 253000.

gnomAD v4.1: 2 of 1,582,998 alleles (0.00013%); no homozygotes.

Submission:

Laboratory of Diagnosis and Therapy of Lysosomal Disorders, University of Padova
Classification: Uncertain significance for Mucopolysaccharidosis, MPS-IV-A. Last evaluated: 2021-02-01. Review status: criteria provided, single submitter. Criteria: ACMG Guidelines, 2015. Collection method: research. Allele origin: germline. Affected: yes.
Comment: Absent from gnomAD v2.1.1 (PM2_moderate); multiple lines of computational evidence suggest no impact on gene or gene product (BP4_supporting)

Literature cited by the submitters: PubMed 34387910.